The following is an entry in ClinVar:

ClinVar aggregate classification (germline): Uncertain significance. Review status: criteria provided, multiple submitters, no conflicts (2 of 4 stars). 5 submissions from 5 submitters: Uncertain significance (4). 1 of the submissions does not count toward it. Last evaluated 2026-02-23.

Conditions:
Goldmann-Favre syndrome. Identifiers: Orphanet 53540, MedGen C0339541, MONDO:0100289.
NR2E3-related disorder. Also called: NR2E3-related disorders; NR2E3-related condition. Identifiers: MedGen CN239387.

Allele frequency attached by ClinVar (database versions not stated): gnomAD 0.00003 and 0.00004; gnomAD exomes 0.00004 and 0.00008; TOPMed 0.00005; ESP Exome Variant Server 0.00008; ExAC 0.00010.

Submissions (5):

GeneDx
Classification: Uncertain significance. Last evaluated: 2026-02-23. Review status: criteria provided, single submitter. Criteria: GeneDx Variant Classification Process June 2021. Collection method: clinical testing. Allele origin: germline.
Comment: Identified as a heterozygous variant (classified as a variant of uncertain significance) in a patient with an inherited retinal disorder and who harbored a variant in an additional gene in published literature (PMID: 38927702); In silico analysis does not support a benign or deleterious effect of this variant on protein structure/function; This variant is associated with the following publications: (PMID: 38927702)

Labcorp Genetics (formerly Invitae), Labcorp
Classification: Uncertain significance. Last evaluated: 2025-06-03. Review status: criteria provided, single submitter. Criteria: Invitae Variant Classification Sherloc (09022015). Collection method: clinical testing. Allele origin: germline.
Comment: This sequence change replaces valine, which is neutral and non-polar, with methionine, which is neutral and non-polar, at codon 41 of the NR2E3 protein (p.Val41Met). This variant is present in population databases (rs370679503, gnomAD 0.009%). This missense change has been observed in individual(s) with NR2E3-related conditions (PMID: 38927702). ClinVar contains an entry for this variant (Variation ID: 990924). Experimental studies and prediction algorithms are not available or were not evaluated, and the functional significance of this variant is currently unknown. In summary, the available evidence is currently insufficient to determine the role of this variant in disease. Therefore, it has been classified as a Variant of Uncertain Significance.

PreventionGenetics, part of Exact Sciences
Classification: Uncertain significance for NR2E3-related condition. Last evaluated: 2025-05-19. Review status: criteria provided, single submitter. Criteria: ACMG Guidelines, 2015. Collection method: clinical testing. Allele origin: germline.
Comment: The NR2E3 c.121G>A variant is predicted to result in the amino acid substitution p.Val41Met. This variant was reported in the heterozygous state in individual with inherited retinal disease; no second variant in the gene was identified (Table S3, Mihalich et al. 2024. PubMed ID: 38927702). This variant is reported in 0.0049% of alleles in individuals of European (Non-Finnish) descent in gnomAD. At this time, the clinical significance of this variant is uncertain due to the absence of conclusive functional and genetic evidence.

Blueprint Genetics
Classification: Uncertain significance. Last evaluated: 2024-09-19. Review status: criteria provided, single submitter. Criteria: ACMG Guidelines, 2015. Collection method: clinical testing. Allele origin: germline.

Natera, Inc.
Classification: Uncertain significance for Goldmann-Favre syndrome. Last evaluated: 2020-04-17. Review status: no assertion criteria provided. Collection method: clinical testing. Allele origin: germline. Not counted in ClinVar's aggregate classification.

Literature cited by the submitters: PubMed 38927702 (cited by Labcorp Genetics (formerly Invitae), Labcorp).

NM_014249.4(NR2E3):c.121G>A (p.Val41Met)

Gene: NR2E3 (nuclear receptor subfamily 2 group E member 3; plus strand). Cytogenetic location: 15q23.
Variant type: single nucleotide variant.
Coding change: c.121G>A on transcript NM_014249.4 (MANE Select); coding-DNA position 121, G replaced by A.
Protein change: p.Val41Met; replaces valine 41 with methionine.
Molecular consequence: missense variant.
Genome position (GRCh38, 1-based): chr15:71,811,485, G>A. VCF-style: chr15-71811485-G-A. GRCh37 (hg19) VCF-style: chr15-72103825-G-A.
Other names: c.121G>A, p.Val41Met (NM_016346.4); c.121G>A (NM_014249.2, NM_014249.3); short protein forms V41M.
Identifiers: ClinVar variation 990924 (VCV000990924.8), dbSNP rs370679503, ClinGen allele CA7640215.
Genomic context (GRCh38, chr15:71,811,485, plus strand): 5'-GTGCAGCCCTGCCCCGGCCCAGCCCTGCCCTGGCCCAGCCCTGCCCCCTGCCCCTCAGGC[G>A]TGAGCCCCTCGCTCCAGTGCCGCGTGTGCGGAGACAGCAGCAGCGGGAAGCACTATGGCA-3'
Protein context (NP_055064.1, residues 31-51): RWGLGEDPTG[Val41Met]SPSLQCRVCG